The following is an entry in ClinVar:

NM_015409.5(EP400):c.8448G>A (p.Ser2816=)

Gene: EP400 (E1A binding protein p400; plus strand). Cytogenetic location: 12q24.33.
Variant type: single nucleotide variant.
Coding change: c.8448G>A on transcript NM_015409.5 (MANE Select); coding-DNA position 8448, G replaced by A.
Protein change: p.Ser2816=; no amino-acid change (serine 2816 retained).
Molecular consequence: synonymous variant.
Genome position (GRCh38, 1-based): chr12:132,064,781, G>A. VCF-style: chr12-132064781-G-A. GRCh37 (hg19) VCF-style: chr12-132549326-G-A.
Identifiers: ClinVar variation 3044700 (VCV003044700.2), dbSNP rs144018934, ClinGen allele CA6887201.

ClinVar aggregate classification (germline): Likely benign (0 of 4 stars; one submission).

Conditions:
EP400-related disorder. Also called: EP400-related condition.

Allele frequency attached by ClinVar (database versions not stated): ExAC 0.00007; TOPMed 0.00011; gnomAD 0.00013; ESP Exome Variant Server 0.00023.
gnomAD v4.1: 66 of 1,612,658 alleles (0.0041%); highest among the groups gnomAD compares: Admixed American, 0.017%; no homozygotes.

Submission:

PreventionGenetics, part of Exact Sciences
Classification: Likely benign for EP400-related condition. Last evaluated: 2019-05-31. Review status: no assertion criteria provided. Collection method: clinical testing. Allele origin: germline.
Comment: This variant is classified as likely benign based on ACMG/AMP sequence variant interpretation guidelines (Richards et al. 2015 PMID: 25741868, with internal and published modifications).